The following is an entry in ClinVar:

Conditions:
Breast-ovarian cancer, familial, susceptibility to, 1 (BROVCA1). Also called: BRCA1 Hereditary Breast and Ovarian Cancer; OVARIAN CANCER, SUSCEPTIBILITY TO. Identifiers: Orphanet 145, MedGen C2676676, MONDO:0011450, OMIM 604370. Disease mechanism: loss of function.

Submission:

Brotman Baty Institute, University of Washington
No classification provided (evidence only). Condition: Breast-ovarian cancer, familial 1. Review status: no classification provided. Collection method: in vitro. Allele origin: not applicable. Functional consequence: functionally_normal.
ClinVar note: "not provided" was previously submitted as the classification for the variant. However, the classification appeared to be based only on an observation of functional data so it was converted to no classification on 2025-07-30.

NM_007294.4(BRCA1):c.294T>A (p.Gly98=)

Gene: BRCA1 (BRCA1 DNA repair associated; minus strand). Cytogenetic location: 17q21.31.
Variant type: single nucleotide variant.
Coding change: c.294T>A on transcript NM_007294.4 (MANE Select); coding-DNA position 294, T replaced by A.
Protein change: p.Gly98=; no amino-acid change (glycine 98 retained).
Molecular consequence: synonymous variant. On other transcripts: 5 prime UTR variant (7), intron variant (2), splice donor variant (3).
Genome position (GRCh38, 1-based): chr17:43,104,875, A>T on the plus strand (T>A on the coding strand, the complement: BRCA1 is on the minus strand). VCF-style: chr17-43104875-A-T. GRCh37 (hg19) VCF-style: chr17-41256892-A-T.
Other names: c.153T>A, p.Gly51= (NM_001408462.1, NM_001408463.1, NM_001408464.1 and 99 more transcripts); c.294T>A, p.Gly98= (NM_001408472.1, NM_001408473.1, NM_001407978.1 and 165 more transcripts); c.216T>A, p.Gly72= (NM_001408474.1, NM_001408475.1, NM_001408476.1 and 21 more transcripts); c.84T>A, p.Gly28= (NM_001408478.1, NM_001408479.1, NM_001408480.1 and 58 more transcripts); c.-88T>A (NM_001407959.1, NM_001407960.1, NM_001407962.1 and 4 more transcripts); c.162T>A, p.Gly54= (NM_001408451.1); c.-218-10015T>A (NM_001407967.1, NM_001407966.1); c.292+2T>A (NM_001408408.1, NM_001407647.1, NM_001407646.1).
Identifiers: ClinVar variation 868361 (VCV000868361.3), dbSNP rs2054671376, ClinGen allele CA500127454.